The following is an entry in ClinVar:

NM_001330311.2(DVL1):c.159C>G (p.Asp53Glu)

Gene: DVL1 (dishevelled segment polarity protein 1; minus strand). Cytogenetic location: 1p36.33.
Variant type: single nucleotide variant.
Coding change: c.159C>G on transcript NM_001330311.2 (MANE Select); coding-DNA position 159, C replaced by G.
Protein change: p.Asp53Glu; replaces aspartic acid 53 with glutamic acid.
Molecular consequence: missense variant.
Genome position (GRCh38, 1-based): chr1:1,348,907, G>C on the plus strand (C>G on the coding strand, the complement: DVL1 is on the minus strand). VCF-style: chr1-1348907-G-C. GRCh37 (hg19) VCF-style: chr1-1284287-G-C.
Other names: c.159C>G, p.Asp53Glu (NM_004421.3); short protein forms D53E.
Identifiers: ClinVar variation 1931123 (VCV001931123.5), dbSNP rs764979748, ClinGen allele CA520848.

ClinVar aggregate classification (germline): Uncertain significance (1 of 4 stars; one submission).

Allele frequency attached by ClinVar (database versions not stated): 1000 Genomes Project 30x 0.00031.
gnomAD v4.1: 6 of 1,564,106 alleles (0.00038%); highest among the groups gnomAD compares: Admixed American, 0.0052%; no homozygotes.

Submission:

Labcorp Genetics (formerly Invitae), Labcorp
Classification: Uncertain significance. Last evaluated: 2025-01-06. Review status: criteria provided, single submitter. Criteria: Invitae Variant Classification Sherloc (09022015). Collection method: clinical testing. Allele origin: germline.
Comment: This sequence change replaces aspartic acid, which is acidic and polar, with glutamic acid, which is acidic and polar, at codon 53 of the DVL1 protein (p.Asp53Glu). This variant is present in population databases (rs764979748, gnomAD 0.003%). This variant has not been reported in the literature in individuals affected with DVL1-related conditions. ClinVar contains an entry for this variant (Variation ID: 1931123). Invitae Evidence Modeling of protein sequence and biophysical properties (such as structural, functional, and spatial information, amino acid conservation, physicochemical variation, residue mobility, and thermodynamic stability) indicates that this missense variant is expected to disrupt DVL1 protein function with a positive predictive value of 80%. In summary, the available evidence is currently insufficient to determine the role of this variant in disease. Therefore, it has been classified as a Variant of Uncertain Significance.